The following is an entry in ClinVar:

NM_000059.4(BRCA2):c.5902T>G (p.Ser1968Ala)

Gene: BRCA2 (BRCA2 DNA repair associated; plus strand). Cytogenetic location: 13q13.1.
Variant type: single nucleotide variant.
Coding change: c.5902T>G on transcript NM_000059.4 (MANE Select); coding-DNA position 5902, T replaced by G.
Protein change: p.Ser1968Ala; replaces serine 1968 with alanine.
Molecular consequence: missense variant. On other transcripts: non-coding transcript variant (1), intron variant (2).
Genome position (GRCh38, 1-based): chr13:32,340,257, T>G. VCF-style: chr13-32340257-T-G. GRCh37 (hg19) VCF-style: chr13-32914394-T-G.
Other names: c.5902T>G, p.Ser1968Ala (NM_001406719.1, NM_001406720.1, NM_001432077.1); c.1910-4301T>G (NM_001406721.1); c.425-4301T>G (NM_001406722.1); short protein forms S1968A.
Identifiers: ClinVar variation 3992805 (VCV003992805.1).

ClinVar aggregate classification (germline): Uncertain significance (1 of 4 stars; one submission).

Conditions:
Hereditary cancer-predisposing syndrome. Also called: Tumor predisposition; Hereditary neoplastic syndrome; Neoplastic Syndromes, Hereditary; Hereditary Cancer Syndrome. Identifiers: Orphanet 140162, MedGen C0027672, MeSH D009386, MONDO:0015356.

gnomAD v4.1: 1 of 1,614,032 alleles (0.000062%); highest among the groups gnomAD compares: Non-Finnish European, 0.000085%; no homozygotes.

Submission:

Ambry Genetics
Classification: Uncertain significance for Hereditary cancer-predisposing syndrome. Last evaluated: 2025-04-17. Review status: criteria provided, single submitter. Criteria: Ambry Variant Classification Scheme 2023. Collection method: clinical testing. Allele origin: germline.
Comment: The p.S1968A variant (also known as c.5902T>G), located in coding exon 10 of the BRCA2 gene, results from a T to G substitution at nucleotide position 5902. The serine at codon 1968 is replaced by alanine, an amino acid with similar properties. This amino acid position is conserved. In addition, this alteration is predicted to be tolerated by in silico analysis. Based on the available evidence, the clinical significance of this variant remains unclear.